The following is an entry in ClinVar:

NM_020822.3(KCNT1):c.426C>T (p.Gly142=)

Gene: KCNT1 (potassium sodium-activated channel subfamily T member 1; plus strand). Cytogenetic location: 9q34.3.
Variant type: single nucleotide variant.
Coding change: c.426C>T on transcript NM_020822.3 (MANE Select); coding-DNA position 426, C replaced by T.
Protein change: p.Gly142=; no amino-acid change (glycine 142 retained).
Molecular consequence: synonymous variant.
Genome position (GRCh38, 1-based): chr9:135,751,033, C>T. VCF-style: chr9-135751033-C-T. GRCh37 (hg19) VCF-style: chr9-138642879-C-T.
Other names: c.282C>T, p.Gly94= (NM_001272003.2).
Identifiers: ClinVar variation 2923082 (VCV002923082.3), dbSNP rs2490782606, ClinGen allele CA467686241.
Genomic context (GRCh38, chr9:135,751,033, plus strand): 5'-GAAGCTGCTCACCTGCCTGCTCTACATTGTGCGCGTCCTGCTCGATGACCCGGCCCTGGG[C>T]ATCGGATGGTGGGCCACGTGCGCGGCCGGGCGCGGGGTCCCGGGTCCCAGGGCTGAGCCT-3'
Protein context (NP_065873.2, residues 132-152): VRVLLDDPAL[Gly142=]IGCWGCPKQN

ClinVar aggregate classification (germline): Uncertain significance (1 of 4 stars; one submission).

Conditions:
Autosomal dominant nocturnal frontal lobe epilepsy 5. Also called: KCNT1-Related Epilepsy; CILIARY DYSKINESIA, PRIMARY, 28, WITH SITUS INVERSUS; CILIARY DYSKINESIA, PRIMARY, 28, WITHOUT SITUS INVERSUS; Epilepsy, nocturnal frontal lobe, 5. Identifiers: Orphanet 98784, MedGen C3554306, MONDO:0014002, OMIM 615005.
Developmental and epileptic encephalopathy, 14 (DEE14). Also called: Early infantile epileptic encephalopathy 14. Identifiers: Orphanet 293181, MedGen C3554195, MONDO:0013989, OMIM 614959.

Submission:

Labcorp Genetics (formerly Invitae), Labcorp
Classification: Uncertain significance for Autosomal dominant nocturnal frontal lobe epilepsy 5; Developmental and epileptic encephalopathy, 14. Last evaluated: 2023-09-21. Review status: criteria provided, single submitter. Criteria: Invitae Variant Classification Sherloc (09022015). Collection method: clinical testing. Allele origin: germline.
Comment: Algorithms developed to predict the effect of sequence changes on RNA splicing suggest that this variant may create or strengthen a splice site. This variant has not been reported in the literature in individuals affected with KCNT1-related conditions. This sequence change affects codon 142 of the KCNT1 mRNA. It is a 'silent' change, meaning that it does not change the encoded amino acid sequence of the KCNT1 protein. This variant is not present in population databases (gnomAD no frequency). In summary, the available evidence is currently insufficient to determine the role of this variant in disease. Therefore, it has been classified as a Variant of Uncertain Significance.